The following is an entry in ClinVar:

NM_000095.3(COMP):c.1666C>T (p.Gln556Ter)

Gene: COMP (cartilage oligomeric matrix protein; minus strand). Cytogenetic location: 19p13.11.
Variant type: single nucleotide variant.
Coding change: c.1666C>T on transcript NM_000095.3 (MANE Select); coding-DNA position 1666, C replaced by T.
Protein change: p.Gln556Ter; replaces glutamine 556 with a stop codon.
Molecular consequence: nonsense.
Genome position (GRCh38, 1-based): chr19:18,785,675, G>A on the plus strand (C>T on the coding strand, the complement: COMP is on the minus strand). VCF-style: chr19-18785675-G-A. GRCh37 (hg19) VCF-style: chr19-18896485-G-A.
Other names: short protein forms Q556*.
Identifiers: ClinVar variation 1505680 (VCV001505680.6), dbSNP rs2055160496, ClinGen allele CA404882071.
Genomic context (GRCh38, chr19:18,785,675, plus strand): 5'-AGGCCTCACTGTGGGGGTTCTAGGGTCCCATCACCCCCCACGTGGACCCCGCTCCCACCT[G>A]GTTGAGCACCACCCAGTTGGGGTCAATCTGCGCGTCACCCTCCGGGTCCAGCACGACTGT-3'

ClinVar aggregate classification (germline): Uncertain significance (1 of 4 stars; one submission).

Allele frequency attached by ClinVar (database versions not stated): TOPMed below 0.00001.

Submission:

Labcorp Genetics (formerly Invitae), Labcorp
Classification: Uncertain significance. Last evaluated: 2022-02-03. Review status: criteria provided, single submitter. Criteria: Invitae Variant Classification Sherloc (09022015). Collection method: clinical testing. Allele origin: germline.
Comment: This sequence change creates a premature translational stop signal (p.Gln556*) in the COMP gene. It is expected to result in an absent or disrupted protein product. However, the current clinical and genetic evidence is not sufficient to establish whether loss-of-function variants in COMP cause disease. This variant is not present in population databases (gnomAD no frequency). In summary, the available evidence is currently insufficient to determine the role of this variant in disease. Therefore, it has been classified as a Variant of Uncertain Significance. This variant has not been reported in the literature in individuals affected with COMP-related conditions.